The following is an entry in ClinVar:

ClinVar aggregate classification (germline): Uncertain significance (1 of 4 stars; one submission).

Conditions:
Neurofibromatosis, type 1 (NF1). Also called: VON RECKLINGHAUSEN DISEASE; NEUROFIBROMATOSIS, TYPE I, SOMATIC; Peripheral type neurofibromatosis; Neurofibromatosis, type I. Identifiers: Orphanet 636, MedGen C0027831, MONDO:0018975, OMIM 162200. Disease mechanism: loss of function.
Café-au-lait macules with pulmonary stenosis (WTSN). Also called: PULMONIC STENOSIS WITH CAFE-AU-LAIT SPOTS. Identifiers: MedGen C0553586, MONDO:0008672, OMIM 193520.
Neurofibromatosis-Noonan syndrome (NFNS). Also called: NEUROFIBROMATOSIS WITH NOONAN PHENOTYPE. Identifiers: Orphanet 638, MedGen C2931482, MONDO:0011035, OMIM 601321. Disease mechanism: loss of function.
Neurofibromatosis, familial spinal (FSNF). Identifiers: Orphanet 636, MedGen C1834235, MONDO:0008078, OMIM 162210. Disease mechanism: loss of function.
Juvenile myelomonocytic leukemia (JMML). Also called: LEUKEMIA, JUVENILE MYELOMONOCYTIC, SOMATIC. Identifiers: Orphanet 86834, MedGen C0349639, MONDO:0011908, OMIM 607785, HP:0012209.

Submission:

Juno Genomics, Hangzhou Juno Genomics, Inc
Classification: Uncertain significance for Café-au-lait macules with pulmonary stenosis; Neurofibromatosis, type 1; Juvenile myelomonocytic leukemia; Neurofibromatosis, familial spinal; Neurofibromatosis-Noonan syndrome. Review status: criteria provided, single submitter. Criteria: ACMG Guidelines, 2015. Collection method: clinical testing. Allele origin: germline. Affected: yes.
Comment: Absent from controls (or at extremely low frequency if recessive) in Genome Aggregation Database.;Protein length changes due to in-frame deletions/insertions in a non-repeat region or stop-loss variants.;Patient's phenotype or family history is highly specific for a disease with a single genetic etiology.

NM_001042492.3(NF1):c.1496_1510del (p.Leu499_Asp503del)

Gene: NF1 (neurofibromin 1; plus strand). Cytogenetic location: 17q11.2.
Variant type: Deletion.
Coding change: c.1496_1510del on transcript NM_001042492.3 (MANE Select); coding-DNA positions 1496 to 1510, 15 bases deleted (TAATTCATGCAGATC).
Protein change: p.Leu499_Asp503del.
Molecular consequence: inframe deletion.
Genome position (GRCh38, 1-based): chr17:31,214,554-31,214,568, TAATTCATGCAGATC deleted; deleting any 15 consecutive bases within chr17:31,214,553-31,214,568 gives the same sequence; the c. name uses the placement nearest the transcript's 3' end. VCF-style (leftmost placement, unchanged base first): chr17-31214552-ACTAATTCATGCAGAT-A. GRCh37 (hg19) VCF-style: chr17-29541570-ACTAATTCATGCAGAT-A.
Other names: c.1496_1510del, p.Leu499_Asp503del (NM_000267.4, NM_001128147.3).
Identifiers: ClinVar variation 5018646 (VCV005018646.1).